The following is an entry in ClinVar:

NM_001003694.2(BRPF1):c.2821del (p.Ile941fs)

Gene: BRPF1 (bromodomain and PHD finger containing 1; plus strand). Cytogenetic location: 3p25.3.
Variant type: Deletion.
Coding change: c.2821del on transcript NM_001003694.2 (MANE Select); coding-DNA position 2821, one base deleted (A; older notation c.2821delA).
Protein change: p.Ile941fs; shifts the reading frame from isoleucine 941.
Molecular consequence: frameshift variant. On other transcripts: non-coding transcript variant (1), intron variant (1).
Genome position (GRCh38, 1-based): chr3:9,744,409, A deleted. VCF-style (leftmost placement, unchanged base first): chr3-9744408-CA-C. GRCh37 (hg19) VCF-style: chr3-9786092-CA-C.
Other names: c.2800del, p.Ile934fs (NM_001319050.2); c.2803del, p.Ile935fs (NM_004634.3); c.2617+508del (NM_001319049.2); short protein forms I934fs, I935fs, I941fs.
Identifiers: ClinVar variation 1206724 (VCV001206724.3), dbSNP rs2125511640, ClinGen allele CA2499217006.
Genomic context (GRCh38, chr3:9,744,408, plus strand): 5'-CCGGGAGAGCCAGATGACCCCCAGCCACGGAGGCAGTCCTGTGGGGCCCCCCCAGCTCCC[CA>C]TCATGAGTTCCCTGCGTCAGCGCAAGCGGGGTAGGAGCCCCCGGCCCAGTTCGAGCTCAG-3'

ClinVar aggregate classification (germline): Likely pathogenic (1 of 4 stars; one submission).

Submission:

GeneDx
Classification: Likely pathogenic. Last evaluated: 2019-09-06. Review status: criteria provided, single submitter. Criteria: GeneDx Variant Classification Process June 2021. Collection method: clinical testing. Allele origin: germline. Affected: yes.
Comment: Frameshift variant predicted to result in protein truncation or nonsense mediated decay in a gene for which loss-of-function is a known mechanism of disease; Not observed in large population cohorts (Lek et al., 2016); Has not been previously published as pathogenic or benign to our knowledge